The following is an entry in ClinVar:

NM_187841.3(TRIM54):c.610-6T>G

Gene: TRIM54 (tripartite motif containing 54; plus strand). Cytogenetic location: 2p23.3.
Variant type: single nucleotide variant.
Coding change: c.610-6T>G on transcript NM_187841.3 (MANE Select); 6 bases into the intron before coding-DNA position 610, T replaced by G.
Molecular consequence: intron variant.
Genome position (GRCh38, 1-based): chr2:27,305,578, T>G. VCF-style: chr2-27305578-T-G. GRCh37 (hg19) VCF-style: chr2-27528446-T-G.
Other names: NC_000002.11:g.27528446T>G; c.736-6T>G (NM_032546.4).
Identifiers: ClinVar variation 3027416 (VCV003027416.23), dbSNP rs377349174, ClinGen allele CA1575179.

ClinVar aggregate classification (germline): Uncertain significance (1 of 4 stars; one submission).

Allele frequency attached by ClinVar (database versions not stated): TOPMed 0.00009; ExAC 0.00011; gnomAD exomes 0.00018; ESP Exome Variant Server 0.00023; gnomAD 0.00008.

Submissions (2):

CeGaT Center for Human Genetics Tuebingen
Classification: Uncertain significance. Last evaluated: 2024-02-01. Review status: criteria provided, single submitter. Criteria: CeGaT Center For Human Genetics Tuebingen Variant Classification Criteria Version 2. Collection method: clinical testing. Allele origin: germline. Affected: yes. Observed: 1 variant allele.
Comment: TRIM54: PM2, BP4

Dr. Peter K. Rogan Lab, Western University
No classification provided (evidence only). Condition: Nonpapillary renal cell carcinoma. Review status: no classification provided. Collection method: in vitro. Allele origin: not applicable. Functional consequence: retained intron. Not counted in ClinVar's aggregate classification.